The following is an entry in ClinVar:

NM_001486.4(GCKR):c.1433G>A (p.Arg478His)

Gene: GCKR (glucokinase regulator; plus strand). Cytogenetic location: 2p23.3.
Variant type: single nucleotide variant.
Coding change: c.1433G>A on transcript NM_001486.4 (MANE Select); coding-DNA position 1433, G replaced by A.
Protein change: p.Arg478His; replaces arginine 478 with histidine.
Molecular consequence: missense variant.
Genome position (GRCh38, 1-based): chr2:27,518,798, G>A. VCF-style: chr2-27518798-G-A. GRCh37 (hg19) VCF-style: chr2-27741665-G-A.
Other names: short protein forms R478H.
Identifiers: ClinVar variation 1511045 (VCV001511045.10), dbSNP rs141361209, ClinGen allele CA1581991.

ClinVar aggregate classification (germline): Uncertain significance. Review status: criteria provided, multiple submitters, no conflicts (2 of 4 stars). 3 submissions from 3 submitters: Uncertain significance (3). Last evaluated 2025-07-01.

Conditions:
FASTING PLASMA GLUCOSE LEVEL QUANTITATIVE TRAIT LOCUS 5 (FGQTL5). Identifiers: MedGen C3150714, OMIM 613463.

Allele frequency attached by ClinVar (database versions not stated): ExAC 0.00019; gnomAD exomes 0.00019 and 0.00034; gnomAD 0.00024 and 0.00026; TOPMed 0.00028; ESP Exome Variant Server 0.00031; 1000 Genomes Project 30x 0.00078; 1000 Genomes Project 0.00080.
gnomAD v4.1: 554 of 1,613,428 alleles (0.034%); highest among the groups gnomAD compares: Non-Finnish European, 0.042%; no homozygotes.

Submissions (3):

Labcorp Genetics (formerly Invitae), Labcorp
Classification: Uncertain significance. Last evaluated: 2025-07-01. Review status: criteria provided, single submitter. Criteria: Invitae Variant Classification Sherloc (09022015). Collection method: clinical testing. Allele origin: germline.
Comment: This sequence change replaces arginine, which is basic and polar, with histidine, which is basic and polar, at codon 478 of the GCKR protein (p.Arg478His). This variant is present in population databases (rs141361209, gnomAD 0.03%). This missense change has been observed in individual(s) with multifactorial chylomicronemia syndrome or hypertriglyceridemia (PMID: 31619059, 36325899). ClinVar contains an entry for this variant (Variation ID: 1511045). Invitae Evidence Modeling of protein sequence and biophysical properties (such as structural, functional, and spatial information, amino acid conservation, physicochemical variation, residue mobility, and thermodynamic stability) indicates that this missense variant is not expected to disrupt GCKR protein function with a negative predictive value of 80%. Experimental studies have shown that this missense change does not substantially affect GCKR function (PMID: 22182842). In summary, the available evidence is currently insufficient to determine the role of this variant in disease. Therefore, it has been classified as a Variant of Uncertain Significance.

Fulgent Genetics
Classification: Uncertain significance for FASTING PLASMA GLUCOSE LEVEL QUANTITATIVE TRAIT LOCUS 5. Last evaluated: 2021-11-03. Review status: criteria provided, single submitter. Criteria: ACMG Guidelines, 2015. Collection method: clinical testing. Allele origin: unknown.

Breakthrough Genomics
Classification: Uncertain significance. Review status: criteria provided, single submitter. Criteria: ACMG Guidelines, 2015. Collection method: not provided. Allele origin: germline. Inheritance: Unknown mechanism. Affected: yes.

Literature cited by the submitters: PubMed 31619059 (cited by Labcorp Genetics (formerly Invitae), Labcorp); PubMed 36325899 (cited by Labcorp Genetics (formerly Invitae), Labcorp); PubMed 22182842 (cited by Labcorp Genetics (formerly Invitae), Labcorp).